The following is an entry in ClinVar:

NM_033004.4(NLRP1):c.168C>G (p.Tyr56Ter)

Gene: NLRP1 (NLR family pyrin domain containing 1; minus strand). Cytogenetic location: 17p13.2.
Variant type: single nucleotide variant.
Coding change: c.168C>G on transcript NM_033004.4 (MANE Select); coding-DNA position 168, C replaced by G.
Protein change: p.Tyr56Ter; replaces tyrosine 56 with a stop codon.
Molecular consequence: nonsense.
Genome position (GRCh38, 1-based): chr17:5,583,790, G>C on the plus strand (C>G on the coding strand, the complement: NLRP1 is on the minus strand). VCF-style: chr17-5583790-G-C. GRCh37 (hg19) VCF-style: chr17-5487110-G-C.
Other names: c.168C>G, p.Tyr56Ter (NM_001033053.3, NM_014922.5, NM_033006.4 and 1 more transcripts); short protein forms Y56*.
Identifiers: ClinVar variation 1355846 (VCV001355846.8), dbSNP rs2151832864, ClinGen allele CA397391026.
Genomic context (GRCh38, chr17:5,583,790, plus strand): 5'-CTGCTCCCAGGTATGGAGGGCTAGGTCCCAGGCCCGCTGCTCCCCATACTGAGCCACCAG[G>C]TACGAGGCCACCTCCATGCCACTCGTCTTCTCTGGCTGAGCGGGTGTCTCACCCGAAGAG-3'

ClinVar aggregate classification (germline): Uncertain significance. Review status: criteria provided, multiple submitters, no conflicts (2 of 4 stars). 2 submissions from 2 submitters: Uncertain significance (2). Last evaluated 2025-01-15.

Submissions (2):

Women's Health and Genetics/Laboratory Corporation of America, LabCorp
Classification: Uncertain significance. Last evaluated: 2025-01-15. Review status: criteria provided, single submitter. Criteria: LabCorp Variant Classification Summary - May 2015. Collection method: clinical testing. Allele origin: germline.
Comment: Variant summary: NLRP1 c.168C>G (p.Tyr56X) results in a premature termination codon, predicted to cause a truncation of the encoded protein or absence of the protein due to nonsense mediated decay, however current evidence is not sufficient to establish loss of function as a mechanism for disease. The variant was absent in 164122 control chromosomes. The available data on variant occurrences in the general population are insufficient to allow any conclusion about variant significance. To our knowledge, no occurrence of c.168C>G in individuals affected with NLRP1-related conditions and no experimental evidence demonstrating its impact on protein function have been reported. ClinVar contains an entry for this variant (Variation ID: 1355846). Based on the evidence outlined above, the variant was classified as uncertain significance.

Labcorp Genetics (formerly Invitae), Labcorp
Classification: Uncertain significance. Last evaluated: 2023-05-17. Review status: criteria provided, single submitter. Criteria: Invitae Variant Classification Sherloc (09022015). Collection method: clinical testing. Allele origin: germline.
Comment: In summary, the available evidence is currently insufficient to determine the role of this variant in disease. Therefore, it has been classified as a Variant of Uncertain Significance. Algorithms developed to predict the effect of sequence changes on RNA splicing suggest that this variant may create or strengthen a splice site. ClinVar contains an entry for this variant (Variation ID: 1355846). This variant has not been reported in the literature in individuals affected with NLRP1-related conditions. This variant is not present in population databases (gnomAD no frequency). This sequence change creates a premature translational stop signal (p.Tyr56*) in the NLRP1 gene. It is expected to result in an absent or disrupted protein product. However, the current clinical and genetic evidence is not sufficient to establish whether loss-of-function variants in NLRP1 cause disease.